The following is an entry in ClinVar:

ClinVar aggregate classification (germline): Uncertain significance. Review status: criteria provided, multiple submitters, no conflicts (2 of 4 stars). 2 submissions from 2 submitters: Uncertain significance (2). Last evaluated 2024-05-06.

Conditions:
Inborn genetic diseases. Identifiers: MedGen C0950123, MeSH D030342.
Peroxisome biogenesis disorder 2B (PBD2B). Identifiers: Orphanet 44, MedGen C3550234, MONDO:0008736, OMIM 202370.

Allele frequency attached by ClinVar (database versions not stated): gnomAD exomes below 0.00001; ExAC 0.00001; gnomAD 0.00001; TOPMed 0.00001.
gnomAD v4.1: 2 of 1,612,784 alleles (0.00012%); highest among the groups gnomAD compares: South Asian, 0.0011%; no homozygotes.

Submissions (2):

Labcorp Genetics (formerly Invitae), Labcorp
Classification: Uncertain significance for Peroxisome biogenesis disorder 2B. Last evaluated: 2024-05-06. Review status: criteria provided, single submitter. Criteria: Invitae Variant Classification Sherloc (09022015). Collection method: clinical testing. Allele origin: germline.
Comment: This sequence change replaces proline, which is neutral and non-polar, with serine, which is neutral and polar, at codon 41 of the PEX5 protein (p.Pro41Ser). This variant is present in population databases (rs781410836, gnomAD 0.003%). This variant has not been reported in the literature in individuals affected with PEX5-related conditions. ClinVar contains an entry for this variant (Variation ID: 1484275). An algorithm developed to predict the effect of missense changes on protein structure and function (PolyPhen-2) suggests that this variant¬†is likely to be tolerated. In summary, the available evidence is currently insufficient to determine the role of this variant in disease. Therefore, it has been classified as a Variant of Uncertain Significance.

Ambry Genetics
Classification: Uncertain significance for Inborn genetic diseases. Last evaluated: 2022-05-04. Review status: criteria provided, single submitter. Criteria: Ambry Variant Classification Scheme 2023. Collection method: clinical testing. Allele origin: germline.

NM_001351132.2(PEX5):c.121C>T (p.Pro41Ser)

Gene: PEX5 (peroxisomal biogenesis factor 5; plus strand). Cytogenetic location: 12p13.31.
Variant type: single nucleotide variant.
Coding change: c.121C>T on transcript NM_001351132.2 (MANE Select); coding-DNA position 121, C replaced by T.
Protein change: p.Pro41Ser; replaces proline 41 with serine.
Molecular consequence: missense variant.
Genome position (GRCh38, 1-based): chr12:7,190,498, C>T. VCF-style: chr12-7190498-C-T. GRCh37 (hg19) VCF-style: chr12-7343094-C-T.
Other names: c.121C>T, p.Pro41Ser (NM_000319.5, NM_001131023.2, NM_001131024.2 and 22 more transcripts); c.121C>T (NM_001131025.1); short protein forms P41S.
Identifiers: ClinVar variation 1484275 (VCV001484275.7), dbSNP rs781410836, ClinGen allele CA6425999.
Genomic context (GRCh38, chr12:7,190,498, plus strand): 5'-GCCGGGCACTTCACCCAGGACAAGGCCCTTCGGCAGGAGGGATTGAGGCCTGGCCCCTGG[C>T]CCCCCGGAGCCCCGGCCTCTGAGGCAGTGAGTGTTCTTGAGGTGGAAAGCCCAGGTGCAG-3'
Protein context (NP_001338061.1, residues 31-51): RQEGLRPGPW[Pro41Ser]PGAPASEAAS